The following is an entry in ClinVar:

NM_017934.7(PHIP):c.129G>C (p.Glu43Asp)

Gene: PHIP (pleckstrin homology domain interacting protein; minus strand). Cytogenetic location: 6q14.1.
Variant type: single nucleotide variant.
Coding change: c.129G>C on transcript NM_017934.7 (MANE Select); coding-DNA position 129, G replaced by C.
Protein change: p.Glu43Asp; replaces glutamic acid 43 with aspartic acid.
Molecular consequence: missense variant.
Genome position (GRCh38, 1-based): chr6:79,077,700, C>G on the plus strand (G>C on the coding strand, the complement: PHIP is on the minus strand). VCF-style: chr6-79077700-C-G. GRCh37 (hg19) VCF-style: chr6-79787417-C-G.
Other names: short protein forms E43D.
Identifiers: ClinVar variation 1314266 (VCV001314266.2), dbSNP rs1343354009, ClinGen allele CA364652436.

ClinVar aggregate classification (germline): Uncertain significance (1 of 4 stars; one submission).

Allele frequency attached by ClinVar (database versions not stated): TOPMed below 0.00001.

Submission:

GeneDx
Classification: Uncertain significance. Last evaluated: 2021-04-05. Review status: criteria provided, single submitter. Criteria: GeneDx Variant Classification Process June 2021. Collection method: clinical testing. Allele origin: germline. Affected: yes.
Comment: Not observed in large population cohorts (Lek et al., 2016); In silico analysis supports that this missense variant does not alter protein structure/function; In-silico analysis, which includes splice predictors and evolutionary conservation, is inconclusive as to whether the variant alters gene splicing. In the absence of RNA/functional studies, the actual effect of this sequence change is unknown.; Has not been previously published as pathogenic or benign to our knowledge